The following is an entry in ClinVar:

NM_147127.5(EVC2):c.451-1G>T

Gene: EVC2 (EvC ciliary complex subunit 2; minus strand). Cytogenetic location: 4p16.2.
Variant type: single nucleotide variant.
Coding change: c.451-1G>T on transcript NM_147127.5 (MANE Select); the canonical splice acceptor site of the intron before coding-DNA position 451, G replaced by T.
Molecular consequence: splice acceptor variant.
Genome position (GRCh38, 1-based): chr4:5,691,334, C>A on the plus strand (G>T on the coding strand, the complement: EVC2 is on the minus strand). VCF-style: chr4-5691334-C-A. GRCh37 (hg19) VCF-style: chr4-5693061-C-A.
Other names: c.211-1G>T (NM_001166136.2).
Identifiers: ClinVar variation 3777055 (VCV003777055.1).

ClinVar aggregate classification (germline): Likely pathogenic (1 of 4 stars; one submission).

Conditions:
Curry-Hall syndrome (WAD). Also called: WEYERS ACRODENTAL DYSOSTOSIS. Identifiers: Orphanet 952, MedGen C0457013, MONDO:0008673, OMIM 193530.

gnomAD v4.1: 2 of 1,610,070 alleles (0.00012%); highest among the groups gnomAD compares: Non-Finnish European, 0.00017%; no homozygotes.

Submission:

Pediatrics, Sichuan Provincial Hospital For Women And Children
Classification: Likely pathogenic for Curry-Hall syndrome. Review status: criteria provided, single submitter. Criteria: ACMG Guidelines, 2015. Collection method: provider interpretation. Allele origin: de novo. Affected: yes.
Comment: According to ACMG guidelines, this variant is preliminarily classified as a likely pathogenic variant (PVS1 + PM2_Supporting). PVS1: This variant is a null variant (splicing mutation) that may lead to loss of gene function. PM2_Supporting: The allele frequency in population databases is 0.000004 (extremely rare). Supporting evidence: No disease association reports for this locus were found in literature databases. No pathogenicity classification for this locus is available in the ClinVar database.